The following is an entry in ClinVar:

ClinVar aggregate classification (germline): Benign. Review status: criteria provided, multiple submitters, no conflicts (2 of 4 stars). 2 submissions from 2 submitters: Benign (2). Last evaluated 2018-01-13.

Conditions:
Autosomal dominant striatal neurodegeneration type 1. Identifiers: Orphanet 228169, MedGen C4310808, MONDO:0012205, OMIM 609161.

Allele frequency attached by ClinVar (database versions not stated): gnomAD exomes 0.01368; 1000 Genomes Project 0.01637; 1000 Genomes Project 30x 0.01671; TOPMed 0.01841; gnomAD 0.01962 and 0.01980.
gnomAD v4.1: 2,814 of 141,094 alleles (2%); highest among the groups gnomAD compares: Middle Eastern, 6.5%; 37 homozygotes.

Submissions (2):

Illumina Laboratory Services, Illumina
Classification: Benign for Autosomal dominant striatal neurodegeneration type 1. Last evaluated: 2018-01-13. Review status: criteria provided, single submitter. Criteria: ICSL Variant Classification Criteria 13 December 2019. Collection method: clinical testing. Allele origin: germline.
Comment: This variant was observed in the ICSL laboratory as part of a predisposition screen in an ostensibly healthy population. It had not been previously curated by ICSL or reported in the Human Gene Mutation Database (HGMD: prior to June 1st, 2018), and was therefore a candidate for classification through an automated scoring system. Utilizing variant allele frequency, disease prevalence and penetrance estimates, and inheritance mode, an automated score was calculated to assess if this variant is too frequent to cause the disease. Based on the score and internal cut-off values, a variant classified as benign is not then subjected to further curation. The score for this variant resulted in a classification of benign for this disease.

Breakthrough Genomics
Classification: Benign. Review status: criteria provided, single submitter. Criteria: ACMG Guidelines, 2015. Collection method: not provided. Allele origin: germline. Inheritance: Autosomal dominant inheritance. Affected: yes.

NM_003719.5(PDE8B):c.*480T>G

Gene: PDE8B (phosphodiesterase 8B; plus strand). Cytogenetic location: 5q13.3.
Variant type: single nucleotide variant.
Coding change: c.*480T>G on transcript NM_003719.5 (MANE Select); 480 bases downstream of the stop codon, T replaced by G.
Molecular consequence: 3 prime UTR variant.
Genome position (GRCh38, 1-based): chr5:77,427,034, T>G. VCF-style: chr5-77427034-T-G. GRCh37 (hg19) VCF-style: chr5-76722859-T-G.
Other names: c.*480T>G (NM_001029851.4, NM_001029852.4, NM_001029853.4 and 19 more transcripts); c.*566T>G (NM_001349751.3, NM_001376072.1).
Identifiers: ClinVar variation 354188 (VCV000354188.6), dbSNP rs72769019, ClinGen allele CA10620780.